The following is an entry in ClinVar:

ClinVar aggregate classification (germline): Uncertain significance (1 of 4 stars; one submission).

Conditions:
Hereditary spastic paraplegia 31. Also called: SPASTIC PARAPLEGIA 31, AUTOSOMAL DOMINANT. Identifiers: Orphanet 101011, MedGen C1853247, MONDO:0012453, OMIM 610250.

Allele frequency attached by ClinVar (database versions not stated): gnomAD 0.00001; gnomAD exomes 0.00001; ExAC 0.00002; TOPMed 0.00002.
gnomAD v4.1: 7 of 1,613,238 alleles (0.00043%); highest among the groups gnomAD compares: African/African-American, 0.0053%; no homozygotes.

Submission:

Labcorp Genetics (formerly Invitae), Labcorp
Classification: Uncertain significance for Hereditary spastic paraplegia 31. Last evaluated: 2020-07-27. Review status: criteria provided, single submitter. Criteria: Invitae Variant Classification Sherloc (09022015). Collection method: clinical testing. Allele origin: germline.
Comment: In summary, the available evidence is currently insufficient to determine the role of this variant in disease. Therefore, it has been classified as a Variant of Uncertain Significance. Algorithms developed to predict the effect of missense changes on protein structure and function do not agree on the potential impact of this missense change (SIFT: "Tolerated"; PolyPhen-2: "Probably Damaging"; Align-GVGD: "Class C0"). This variant has not been reported in the literature in individuals with REEP1-related disease. This variant is present in population databases (rs747398780, ExAC 0.006%). This sequence change replaces valine with methionine at codon 134 of the REEP1 protein (p.Val134Met). The valine residue is highly conserved and there is a small physicochemical difference between valine and methionine.

NM_001371279.1(REEP1):c.400G>A (p.Val134Met)

Gene: REEP1 (receptor accessory protein 1; minus strand). Cytogenetic location: 2p11.2.
Variant type: single nucleotide variant.
Coding change: c.400G>A on transcript NM_001371279.1 (MANE Select); coding-DNA position 400, G replaced by A.
Protein change: p.Val134Met; replaces valine 134 with methionine.
Molecular consequence: missense variant. On other transcripts: intron variant (1).
Genome position (GRCh38, 1-based): chr2:86,251,974, C>T on the plus strand (G>A on the coding strand, the complement: REEP1 is on the minus strand). VCF-style: chr2-86251974-C-T. GRCh37 (hg19) VCF-style: chr2-86479097-C-T.
Other names: c.421G>A, p.Val141Met (NM_001164730.2); c.319G>A, p.Val107Met (NM_001164731.2); c.400G>A, p.Val134Met (NM_001371280.1, NM_022912.3); c.182+11991G>A (NM_001164732.2); short protein forms V134M, V141M, V107M.
Identifiers: ClinVar variation 534212 (VCV000534212.8), dbSNP rs747398780, ClinGen allele CA1748756.